The following is an entry in ClinVar:

ClinVar aggregate classification (germline): Uncertain significance. Review status: criteria provided, multiple submitters, no conflicts (2 of 4 stars). 3 submissions from 3 submitters: Uncertain significance (3). Last evaluated 2025-03-28.

Conditions:
Intellectual developmental disorder with autistic features and language delay, with or without seizures. Identifiers: MedGen C5394447, MONDO:0030051, OMIM 618906.
Inborn genetic diseases. Identifiers: MedGen C0950123, MeSH D030342.

Allele frequency attached by ClinVar (database versions not stated): gnomAD 0.00001; TOPMed 0.00001.
gnomAD v4.1: 2 of 1,613,860 alleles (0.00012%); no homozygotes.

Submissions (3):

Laboratorio de Genetica e Diagnostico Molecular, Hospital Israelita Albert Einstein
Classification: Uncertain significance for Intellectual developmental disorder with autistic features and language delay, with or without seizures. Last evaluated: 2025-03-28. Review status: criteria provided, single submitter. Criteria: ACMG Guidelines, 2015. Collection method: clinical testing. Allele origin: germline. Affected: yes.
Comment: ACMG classification criteria: PM2 supporting, BP4 supporting

Ambry Genetics
Classification: Uncertain significance for Inborn genetic diseases. Last evaluated: 2024-01-24. Review status: criteria provided, single submitter. Criteria: Ambry Variant Classification Scheme 2023. Collection method: clinical testing. Allele origin: germline.

New York Genome Center
Classification: Uncertain significance. Last evaluated: 2020-04-24. Review status: criteria provided, single submitter. Criteria: NYGC Assertion Criteria 2020. Collection method: clinical testing. Allele origin: germline. Affected: yes. Observed: 1 heterozygote. Study: CSER-NYCKidSeq.

NM_001394998.1(TANC2):c.2951A>G (p.Asn984Ser)

Genes: TANC2 (tetratricopeptide repeat, ankyrin repeat and coiled-coil containing 2; plus strand), LOC105371856 (uncharacterized LOC105371856; minus strand). Cytogenetic location: 17q23.3.
Variant type: single nucleotide variant.
Coding change: c.2951A>G on transcript NM_001394998.1 (MANE Select); coding-DNA position 2951, A replaced by G.
Protein change: p.Asn984Ser; replaces asparagine 984 with serine.
Molecular consequence: missense variant.
Genome position (GRCh38, 1-based): chr17:63,389,444, A>G. VCF-style: chr17-63389444-A-G. GRCh37 (hg19) VCF-style: chr17-61466805-A-G.
Other names: c.2729A>G, p.Asn910Ser (NM_025185.4); short protein forms N910S, N984S.
Identifiers: ClinVar variation 1325560 (VCV001325560.4), dbSNP rs1370792562, ClinGen allele CA400532541.